The following is an entry in ClinVar:

NM_002473.6(MYH9):c.121T>A (p.Phe41Ile)

Gene: MYH9 (myosin heavy chain 9; minus strand). Cytogenetic location: 22q12.3.
Variant type: single nucleotide variant.
Coding change: c.121T>A on transcript NM_002473.6 (MANE Select); coding-DNA position 121, T replaced by A.
Protein change: p.Phe41Ile; replaces phenylalanine 41 with isoleucine.
Molecular consequence: missense variant.
Genome position (GRCh38, 1-based): chr22:36,349,116, A>T on the plus strand (T>A on the coding strand, the complement: MYH9 is on the minus strand). VCF-style: chr22-36349116-A-T. GRCh37 (hg19) VCF-style: chr22-36745161-A-T.
Other names: short protein forms F41I.
Identifiers: ClinVar variation 2907561 (VCV002907561.3), dbSNP rs2518022924, ClinGen allele CA411549497.

ClinVar aggregate classification (germline): Likely pathogenic (1 of 4 stars; one submission).

Submission:

Labcorp Genetics (formerly Invitae), Labcorp
Classification: Likely pathogenic. Last evaluated: 2025-08-21. Review status: criteria provided, single submitter. Criteria: Invitae Variant Classification Sherloc (09022015). Collection method: clinical testing. Allele origin: germline.
Comment: This sequence change replaces phenylalanine, which is neutral and non-polar, with isoleucine, which is neutral and non-polar, at codon 41 of the MYH9 protein (p.Phe41Ile). This variant is not present in population databases (gnomAD no frequency). This missense change has been observed in individual(s) with MYH9-related conditions (PMID: 30916803, 36519321). It has also been observed to segregate with disease in related individuals. ClinVar contains an entry for this variant (Variation ID: 2907561). Invitae Evidence Modeling of protein sequence and biophysical properties (such as structural, functional, and spatial information, amino acid conservation, physicochemical variation, residue mobility, and thermodynamic stability) indicates that this missense variant is expected to disrupt MYH9 protein function with a positive predictive value of 80%. This variant disrupts the p.Phe41 amino acid residue in MYH9. Other variant(s) that disrupt this residue have been determined to be pathogenic (PMID: 30916803, 31562665). This suggests that this residue is clinically significant, and that variants that disrupt this residue are likely to be disease-causing. In summary, the currently available evidence indicates that the variant is pathogenic, but additional data are needed to prove that conclusively. Therefore, this variant has been classified as Likely Pathogenic.

Literature cited by the submitters: PubMed 30916803; PubMed 36519321; PubMed 31562665.